The following is an entry in ClinVar:

NM_002427.4(MMP13):c.363-17C>G

Gene: MMP13 (matrix metallopeptidase 13; minus strand). Cytogenetic location: 11q22.2.
Variant type: single nucleotide variant.
Coding change: c.363-17C>G on transcript NM_002427.4 (MANE Select); 17 bases into the intron before coding-DNA position 363, C replaced by G.
Molecular consequence: intron variant.
Genome position (GRCh38, 1-based): chr11:102,954,623, G>C on the plus strand (C>G on the coding strand, the complement: MMP13 is on the minus strand). VCF-style: chr11-102954623-G-C. GRCh37 (hg19) VCF-style: chr11-102825352-G-C.
Identifiers: ClinVar variation 1599949 (VCV001599949.12), dbSNP rs72987512, ClinGen allele CA6252004.
Genomic context (GRCh38, chr11:102,954,623, plus strand): 5'-TTTCGACTTCAGAATGAGTCATATCAGGGGTGTAATTCACAATTCTATTTAACAGAGAAA[G>C]TTTCAATGAACTTTTTGGAAAGTGACAGCTATTTTAGAATACATTTTCTTGGTATATTGC-3'

ClinVar aggregate classification (germline): Benign/Likely benign. Review status: criteria provided, multiple submitters, no conflicts (2 of 4 stars). 4 submissions from 4 submitters: Benign (2); Likely benign (2). Last evaluated 2026-01-27.

Allele frequency attached by ClinVar (database versions not stated): gnomAD exomes 0.00031 and 0.00084; ExAC 0.00100; gnomAD 0.00312 and 0.00328; ESP Exome Variant Server 0.00385; 1000 Genomes Project 30x 0.00390; TOPMed 0.00393; 1000 Genomes Project 0.00399.
gnomAD v4.1: 979 of 1,612,152 alleles (0.061%); highest among the groups gnomAD compares: African/African-American, 1.1%; 8 homozygotes.

Submissions (4):

Labcorp Genetics (formerly Invitae), Labcorp
Classification: Benign. Last evaluated: 2026-01-27. Review status: criteria provided, single submitter. Criteria: Invitae Variant Classification Sherloc (09022015). Collection method: clinical testing. Allele origin: germline.

Blueprint Genetics
Classification: Likely benign. Last evaluated: 2024-10-03. Review status: criteria provided, single submitter. Criteria: ACMG Guidelines, 2015. Collection method: clinical testing. Allele origin: germline.

GeneDx
Classification: Likely benign. Last evaluated: 2020-06-23. Review status: criteria provided, single submitter. Criteria: GeneDx Variant Classification Process June 2021. Collection method: clinical testing. Allele origin: germline. Affected: yes.
Comment: See Variant Classification Assertion Criteria.

Breakthrough Genomics
Classification: Benign. Review status: criteria provided, single submitter. Criteria: ACMG Guidelines, 2015. Collection method: not provided. Allele origin: germline. Inheritance: Autosomal recessive inheritance. Affected: yes.